The following is an entry in ClinVar:

ClinVar aggregate classification (germline): Pathogenic (0 of 4 stars; one submission).

Conditions:
Hypoparathyroidism, deafness, renal disease syndrome (HDRS). Also called: HYPOPARATHYROIDISM, SENSORINEURAL DEAFNESS, AND RENAL DYSPLASIA SYNDROME. Identifiers: Orphanet 2237, MedGen C1840333, MONDO:0007797, OMIM 146255.

Submission:

Laboratory of Prof. Karen Avraham, Tel Aviv University
Classification: Pathogenic for Hypoparathyroidism, deafness, renal disease syndrome. Last evaluated: 2016-02-16. Review status: no assertion criteria provided. Collection method: research. Allele origin: germline. Affected: yes.
Comment: Congenital, moderate-severe HL, kidney disease

Barakat syndrome; dominant

NM_001002295.2(GATA3):c.681_682insACCACCCCATCAGCACTCACCCGCCCTACGTGCCC (p.Glu228fs)

Gene: GATA3 (GATA binding protein 3; plus strand). Cytogenetic location: 10p14.
Variant type: Insertion.
Coding change: c.681_682insACCACCCCATCAGCACTCACCCGCCCTACGTGCCC on transcript NM_001002295.2 (MANE Select); coding-DNA positions 681 to 682, ACCACCCCATCAGCACTCACCCGCCCTACGTGCCC inserted.
Protein change: p.Glu228fs; shifts the reading frame from glutamic acid 228.
Molecular consequence: frameshift variant.
Genome position: GRCh38: chr10:8,058,744-8,058,745. GRCh37 (hg19): chr10:8,100,707-8,100,708.
Other names: c.681_682insACCACCCCATCAGCACTCACCCGCCCTACGTGCCC, p.Glu228fs (NM_002051.3); short protein forms E228fs.
Identifiers: ClinVar variation 236031 (VCV000236031.1), dbSNP rs878853222, ClinGen allele CA10581506.